The following is an entry in ClinVar:

ClinVar aggregate classification (germline): Uncertain significance (1 of 4 stars; one submission).

Conditions:
Dilated cardiomyopathy 1J (CMD1J). Also called: CARDIOMYOPATHY, DILATED, WITH SENSORINEURAL HEARING LOSS, AUTOSOMAL DOMINANT. Identifiers: Orphanet 217622, MedGen C1854368, MONDO:0011541, OMIM 605362.

Submission:

Labcorp Genetics (formerly Invitae), Labcorp
Classification: Uncertain significance for Dilated cardiomyopathy 1J. Last evaluated: 2025-10-01. Review status: criteria provided, single submitter. Criteria: Invitae Variant Classification Sherloc (09022015). Collection method: clinical testing. Allele origin: germline.
Comment: This sequence change replaces phenylalanine, which is neutral and non-polar, with valine, which is neutral and non-polar, at codon 618 of the EYA4 protein (p.Phe618Val). This variant is not present in population databases (gnomAD no frequency). This variant has not been reported in the literature in individuals affected with EYA4-related conditions. Invitae Evidence Modeling of protein sequence and biophysical properties (such as structural, functional, and spatial information, amino acid conservation, physicochemical variation, residue mobility, and thermodynamic stability) indicates that this missense variant is expected to disrupt EYA4 protein function with a positive predictive value of 80%. In summary, the available evidence is currently insufficient to determine the role of this variant in disease. Therefore, it has been classified as a Variant of Uncertain Significance.

NM_004100.5(EYA4):c.1852T>G (p.Phe618Val)

Genes: TARID (TCF21 antisense RNA inducing promoter demethylation; minus strand), EYA4 (EYA transcriptional coactivator and phosphatase 4; plus strand). Cytogenetic location: 6q23.2.
Variant type: single nucleotide variant.
Coding change: c.1852T>G on transcript NM_004100.5 (MANE Select); coding-DNA position 1852, T replaced by G.
Protein change: p.Phe618Val; replaces phenylalanine 618 with valine.
Molecular consequence: missense variant.
Genome position (GRCh38, 1-based): chr6:133,528,737, T>G. VCF-style: chr6-133528737-T-G. GRCh37 (hg19) VCF-style: chr6-133849875-T-G.
Other names: c.1690T>G, p.Phe564Val (NM_001301012.2); c.1870T>G, p.Phe624Val (NM_001301013.2); c.1783T>G, p.Phe595Val (NM_001370458.1, NM_172103.4); c.1708T>G, p.Phe570Val (NM_001370459.1); c.1852T>G, p.Phe618Val (NM_172105.4); short protein forms F564V, F624V, F595V, F570V, F618V.
Identifiers: ClinVar variation 4743865 (VCV004743865.1).